The following is an entry in ClinVar:

ClinVar aggregate classification (germline): Pathogenic/Likely pathogenic. Review status: criteria provided, multiple submitters, no conflicts (2 of 4 stars). 4 submissions from 4 submitters: Pathogenic (1); Likely pathogenic (2). 1 of the submissions does not count toward it. Last evaluated 2025-08-20.

Conditions:
Tay-Sachs disease (TSD). Also called: HEXA DEFICIENCY; GM2 gangliosidosis, type 1; Hexosaminidase alpha-subunit deficiency (variant B); Sphingolipidosis, Tay-Sachs; Hexosaminidase A Deficiency; HEXA Disorders. Identifiers: Orphanet 845, MedGen C0039373, MONDO:0010100, OMIM 272800.

Allele frequency attached by ClinVar (database versions not stated): TOPMed 0.00001; gnomAD 0.00002.

Submissions (4):

Natera, Inc.
Classification: Likely pathogenic for Tay-Sachs disease. Last evaluated: 2025-08-20. Review status: criteria provided, single submitter. Criteria: Natera Variant Classification Schema (03/2026). Collection method: clinical testing. Allele origin: germline.
Comment: The c.436delG variant in HEXA is a frameshift variant predicted to shift the reading frame beginning at codon 146 and leads to a stop codon 53 codons downstream. This variant is expected to result in nonsense mediated decay, truncation, or a dysfunctional protein product. This variant is rare in the general population with a frequency below the threshold expected for the associated phenotype(s). Given the available evidence, this variant is classified as Likely Pathogenic.

GeneDx
Classification: Pathogenic. Last evaluated: 2024-12-14. Review status: criteria provided, single submitter. Criteria: GeneDx Variant Classification Process June 2021. Collection method: clinical testing. Allele origin: germline. Affected: yes.
Comment: Frameshift variant predicted to result in protein truncation or nonsense mediated decay in a gene for which loss of function is a known mechanism of disease; Not observed at significant frequency in large population cohorts (gnomAD); This variant is associated with the following publications: (PMID: 1532289)

Women's Health and Genetics/Laboratory Corporation of America, LabCorp
Classification: Likely pathogenic for Tay-Sachs disease. Last evaluated: 2022-05-12. Review status: criteria provided, single submitter. Criteria: LabCorp Variant Classification Summary - May 2015. Collection method: clinical testing. Allele origin: germline.
Comment: Variant summary: HEXA c.436delG (p.Val146PhefsX53) results in a premature termination codon, predicted to cause a truncation of the encoded protein or absence of the protein due to nonsense mediated decay, which are commonly known mechanisms for disease. Truncations downstream of this position have been classified as pathogenic by our laboratory. The variant was absent in 251456 control chromosomes (gnomAD). The variant, c.436delG, has been reported in the literature in a homozygous individual affected with Tay-Sachs Disease (Mules 1992). These data indicate that the variant may be associated with disease. To our knowledge, no experimental evidence demonstrating an impact on protein function has been reported. One ClinVar submitter (evaluation after 2014) cites the variant as likely pathogenic. Based on the evidence outlined above, the variant was classified as likely pathogenic.

Counsyl
Classification: Likely pathogenic for Tay-Sachs disease. Last evaluated: 2016-08-26. Review status: no assertion criteria provided. Collection method: clinical testing. Allele origin: unknown. Not counted in ClinVar's aggregate classification.

Literature cited by the submitters: PubMed 1532289 (cited by Women's Health and Genetics/Laboratory Corporation of America, LabCorp and Counsyl).

NM_000520.6(HEXA):c.436del (p.Val146fs)

Gene: HEXA (hexosaminidase subunit alpha; minus strand). Cytogenetic location: 15q23.
Variant type: Deletion.
Coding change: c.436del on transcript NM_000520.6 (MANE Select); coding-DNA position 436, one base deleted (G; older notation c.436delG).
Protein change: p.Val146fs; shifts the reading frame from valine 146.
Molecular consequence: frameshift variant. On other transcripts: non-coding transcript variant (1).
Genome position (GRCh38, 1-based): chr15:72,353,714, C deleted on the plus strand (G on the coding strand, the reverse complement: HEXA is on the minus strand). VCF-style (leftmost placement, unchanged base first): chr15-72353713-AC-A. GRCh37 (hg19) VCF-style: chr15-72646054-AC-A.
Other names: c.469del, p.Val157fs (NM_001318825.2); c.436del (NM_000520.4); c.436delG (NM_000520.4); short protein forms V146fs, V157fs.
Identifiers: ClinVar variation 371314 (VCV000371314.7), dbSNP rs1057517174, ClinGen allele CA16041739.